The following is an entry in ClinVar:

NM_201596.3(CACNB2):c.214-934C>T

Gene: CACNB2 (calcium voltage-gated channel auxiliary subunit beta 2; plus strand). Cytogenetic location: 10p12.31.
Variant type: single nucleotide variant.
Coding change: c.214-934C>T on transcript NM_201596.3 (MANE Select); 934 bases into the intron before coding-DNA position 214, C replaced by T.
Molecular consequence: intron variant. On other transcripts: 5 prime UTR variant (1).
Genome position (GRCh38, 1-based): chr10:18,400,990, C>T. VCF-style: chr10-18400990-C-T. GRCh37 (hg19) VCF-style: chr10-18689919-C-T.
Other names: c.-42C>T (NM_201570.3); c.130-934C>T (NM_201571.4, NM_001167945.2, NM_201572.4); c.214-934C>T (NM_201593.3, NM_201597.3); c.49-934C>T (NM_000724.4, NM_001330060.2); c.52-934C>T (NM_201590.3).
Identifiers: ClinVar variation 384590 (VCV000384590.1), dbSNP rs1057522003, ClinGen allele CA16605852.

ClinVar aggregate classification (germline): Likely benign (1 of 4 stars; one submission).

gnomAD v4.1: 1 of 1,613,612 alleles (0.000062%); highest among the groups gnomAD compares: South Asian, 0.0011%; no homozygotes.

Submission:

GeneDx
Classification: Likely benign. Last evaluated: 2016-03-08. Review status: criteria provided, single submitter. Criteria: GeneDx Variant Classification (06012015). Collection method: clinical testing. Allele origin: germline. Affected: yes.
Comment: This variant is considered likely benign or benign based on one or more of the following criteria: it is a conservative change, it occurs at a poorly conserved position in the protein, it is predicted to be benign by multiple in silico algorithms, and/or has population frequency not consistent with disease.